The following is an entry in ClinVar:

ClinVar aggregate classification (germline): Likely benign. Review status: criteria provided, multiple submitters, no conflicts (2 of 4 stars). 2 submissions from 2 submitters: Likely benign (2). Last evaluated 2025-12-20.

Conditions:
Hypertrophic cardiomyopathy. Also called: HYPERTROPHIC MYOCARDIOPATHY. Identifiers: Orphanet 217569, MedGen C0007194, MeSH D002312, MONDO:0005045, HP:0001639.

Allele frequency attached by ClinVar (database versions not stated): gnomAD exomes 0.00003 and 0.00010; ExAC 0.00005; TOPMed 0.00008; gnomAD 0.00009.
gnomAD v4.1: 65 of 1,613,702 alleles (0.004%); highest among the groups gnomAD compares: Admixed American, 0.032%; no homozygotes.

Submissions (2):

Labcorp Genetics (formerly Invitae), Labcorp
Classification: Likely benign for Hypertrophic cardiomyopathy. Last evaluated: 2025-12-20. Review status: criteria provided, single submitter. Criteria: Invitae Variant Classification Sherloc (09022015). Collection method: clinical testing. Allele origin: germline.

GeneDx
Classification: Likely benign. Last evaluated: 2017-09-21. Review status: criteria provided, single submitter. Criteria: GeneDx Variant Classification (06012015). Collection method: clinical testing. Allele origin: germline. Affected: yes.
Comment: This variant is considered likely benign or benign based on one or more of the following criteria: it is a conservative change, it occurs at a poorly conserved position in the protein, it is predicted to be benign by multiple in silico algorithms, and/or has population frequency not consistent with disease.

NM_001018005.2(TPM1):c.563+12C>T

Gene: TPM1 (tropomyosin 1; plus strand). Cytogenetic location: 15q22.2.
Variant type: single nucleotide variant.
Coding change: c.563+12C>T on transcript NM_001018005.2 (MANE Select); 12 bases into the intron after coding-DNA position 563, C replaced by T.
Molecular consequence: intron variant.
Genome position (GRCh38, 1-based): chr15:63,060,951, C>T. VCF-style: chr15-63060951-C-T. GRCh37 (hg19) VCF-style: chr15-63353150-C-T.
Other names: c.689+12C>T (NM_001365778.1); c.563+12C>T (NM_001018020.2, NM_001018007.2, NM_001018006.2 and 6 more transcripts); c.455+12C>T (NM_001330351.2, NM_001330344.2, NM_001018008.2 and 5 more transcripts).
Identifiers: ClinVar variation 512212 (VCV000512212.8), dbSNP rs756230680, ClinGen allele CA030050.